The following is an entry in ClinVar:

NM_138295.5(PKD1L1):c.2005A>G (p.Ile669Val)

Gene: PKD1L1 (polycystin 1 like 1, transient receptor potential channel interacting; minus strand). Cytogenetic location: 7p12.3.
Variant type: single nucleotide variant.
Coding change: c.2005A>G on transcript NM_138295.5 (MANE Select); coding-DNA position 2005, A replaced by G.
Protein change: p.Ile669Val; replaces isoleucine 669 with valine.
Molecular consequence: missense variant.
Genome position (GRCh38, 1-based): chr7:47,902,438, T>C on the plus strand (A>G on the coding strand, the complement: PKD1L1 is on the minus strand). VCF-style: chr7-47902438-T-C. GRCh37 (hg19) VCF-style: chr7-47942035-T-C.
Other names: c.2005A>G (NM_138295.3); short protein forms I669V.
Identifiers: ClinVar variation 2152049 (VCV002152049.10), dbSNP rs143597419, ClinGen allele CA4253886.

ClinVar aggregate classification (germline): Conflicting classifications of pathogenicity. Review status: criteria provided, conflicting classifications (1 of 4 stars). 4 submissions from 4 submitters: Uncertain significance (2); Likely benign (1). 1 of the submissions does not count toward it. Last evaluated 2025-08-29.

Conditions:
Inborn genetic diseases. Identifiers: MedGen C0950123, MeSH D030342.
PKD1L1-related disorder. Also called: PKD1L1-related condition.
Heterotaxy, visceral, 8, autosomal (HTX8). Identifiers: MedGen C4310668, MONDO:0014967, OMIM 617205.

Allele frequency attached by ClinVar (database versions not stated): ExAC 0.00026; 1000 Genomes Project 30x 0.00078; 1000 Genomes Project 0.00080; gnomAD 0.00097; TOPMed 0.00128; ESP Exome Variant Server 0.00131.
gnomAD v4.1: 300 of 1,614,150 alleles (0.019%); highest among the groups gnomAD compares: African/African-American, 0.34%; 1 homozygote.

Submissions (4):

Labcorp Genetics (formerly Invitae), Labcorp
Classification: Likely benign. Last evaluated: 2025-08-29. Review status: criteria provided, single submitter. Criteria: Invitae Variant Classification Sherloc (09022015). Collection method: clinical testing. Allele origin: germline.

Ambry Genetics
Classification: Uncertain significance for Inborn genetic diseases. Last evaluated: 2024-10-29. Review status: criteria provided, single submitter. Criteria: Ambry Variant Classification Scheme 2023. Collection method: clinical testing. Allele origin: germline.

ARUP Laboratories, Molecular Genetics and Genomics, ARUP Laboratories
Classification: Uncertain significance for Heterotaxy, visceral, 8, autosomal. Last evaluated: 2022-03-09. Review status: criteria provided, single submitter. Criteria: ARUP Molecular Germline Variant Investigation Process 2021. Collection method: clinical testing. Allele origin: germline.
Comment: The PKD1L1 c.2005A>G; p.Ile669Val variant (rs143597419), to our knowledge, is not reported in the medical literature or gene specific databases. This variant is found in the African/African-American population with an allele frequency of 0.30% (76/24968 alleles) in the Genome Aggregation Database. The isoleucine at codon 669 is weakly conserved, and computational analyses predict that this variant is neutral (REVEL: 0.090). Due to limited information, the clinical significance of this variant is uncertain at this time.

PreventionGenetics, part of Exact Sciences
Classification: Likely benign for PKD1L1-related condition. Last evaluated: 2022-03-23. Review status: no assertion criteria provided. Collection method: clinical testing. Allele origin: germline. Not counted in ClinVar's aggregate classification.
Comment: This variant is classified as likely benign based on ACMG/AMP sequence variant interpretation guidelines (Richards et al. 2015 PMID: 25741868, with internal and published modifications).